The following is an entry in ClinVar:

NM_000322.5(PRPH2):c.62G>A (p.Trp21Ter)

Gene: PRPH2 (peripherin 2; minus strand). Cytogenetic location: 6p21.1.
Variant type: single nucleotide variant.
Coding change: c.62G>A on transcript NM_000322.5 (MANE Select); coding-DNA position 62, G replaced by A.
Protein change: p.Trp21Ter; replaces tryptophan 21 with a stop codon.
Molecular consequence: nonsense.
Genome position (GRCh38, 1-based): chr6:42,722,273, C>T on the plus strand (G>A on the coding strand, the complement: PRPH2 is on the minus strand). VCF-style: chr6-42722273-C-T. GRCh37 (hg19) VCF-style: chr6-42690011-C-T.
Other names: short protein forms W21*.
Identifiers: ClinVar variation 1452485 (VCV001452485.9), dbSNP rs2152011135, ClinGen allele CA364138855.

ClinVar aggregate classification (germline): Pathogenic. Review status: criteria provided, single submitter (1 of 4 stars). 2 submissions from 2 submitters: Pathogenic (1). 1 of the submissions does not count toward it. Last evaluated 2025-11-30.

Conditions:
Retinal dystrophy. Also called: Inherited retinal dystrophy. Identifiers: Orphanet 71862, MedGen C0854723, MeSH D058499, MONDO:0019118, HP:0000556.
PRPH2-related disorder. Also called: PRPH2-related condition; PRPH2-related disorders. Identifiers: MedGen CN239395.

gnomAD v4.1: 2 of 1,614,108 alleles (0.00012%); highest among the groups gnomAD compares: Non-Finnish European, 0.00017%; no homozygotes.

Submissions (2):

Labcorp Genetics (formerly Invitae), Labcorp
Classification: Pathogenic for PRPH2-related disorder. Last evaluated: 2025-11-30. Review status: criteria provided, single submitter. Criteria: Invitae Variant Classification Sherloc (09022015). Collection method: clinical testing. Allele origin: germline.
Comment: This sequence change creates a premature translational stop signal (p.Trp21*) in the PRPH2 gene. It is expected to result in an absent or disrupted protein product. Loss-of-function variants in PRPH2 are known to be pathogenic (PMID: 8111389, 8485575, 8485576, 8675410, 16916875, 17504850, 22863181, 25675413, 26061163, 27365499, 29555955, 33546218). This variant is not present in population databases (gnomAD no frequency). This premature translational stop signal has been observed in individual(s) with multifocal pattern dystrophy (PMID: 17504850). ClinVar contains an entry for this variant (Variation ID: 1452485). For these reasons, this variant has been classified as Pathogenic.

Institute of Human Genetics, Univ. Regensburg, Univ. Regensburg
Classification: Pathogenic for Retinal dystrophy. Last evaluated: 2018-01-01. Review status: no assertion criteria provided. Criteria: ACMG Guidelines, 2015. Collection method: clinical testing. Allele origin: germline. Affected: yes. Not counted in ClinVar's aggregate classification.

Literature cited by the submitters: PubMed 8111389 (cited by Labcorp Genetics (formerly Invitae), Labcorp); PubMed 8485575 (cited by Labcorp Genetics (formerly Invitae), Labcorp); PubMed 8485576 (cited by Labcorp Genetics (formerly Invitae), Labcorp); PubMed 8675410 (cited by Labcorp Genetics (formerly Invitae), Labcorp); PubMed 16916875 (cited by Labcorp Genetics (formerly Invitae), Labcorp); PubMed 17504850 (cited by Labcorp Genetics (formerly Invitae), Labcorp); PubMed 22863181 (cited by Labcorp Genetics (formerly Invitae), Labcorp); PubMed 25675413 (cited by Labcorp Genetics (formerly Invitae), Labcorp); PubMed 26061163 (cited by Labcorp Genetics (formerly Invitae), Labcorp); PubMed 27365499 (cited by Labcorp Genetics (formerly Invitae), Labcorp); PubMed 29555955 (cited by Labcorp Genetics (formerly Invitae), Labcorp); PubMed 33546218 (cited by Labcorp Genetics (formerly Invitae), Labcorp).